The following is an entry in ClinVar:

NM_001354587.1(ANKRD36):c.2589T>G (p.Ser863Arg)

Gene: ANKRD36 (ankyrin repeat domain 36; plus strand). Cytogenetic location: 2q11.2.
Variant type: single nucleotide variant.
Coding change: c.2589T>G on transcript NM_001354587.1 (MANE Select); coding-DNA position 2589, T replaced by G.
Protein change: p.Ser863Arg; replaces serine 863 with arginine.
Molecular consequence: missense variant.
Genome position (GRCh38, 1-based): chr2:97,196,724, T>G. VCF-style: chr2-97196724-T-G. GRCh37 (hg19) VCF-style: chr2-97862461-T-G.
Other names: short protein forms S863R.
Identifiers: ClinVar variation 917513 (VCV000917513.1), dbSNP rs534494159, ClinGen allele CA1787675.

ClinVar aggregate classification (germline): Likely pathogenic (0 of 4 stars; one submission).

Conditions:
Hearing loss, autosomal recessive. Also called: Deafness, autosomal recessive; Autosomal recessive nonsyndromic deafness; Rare autosomal recessive non-syndromic sensorineural deafness type DFNB; Nonsyndromic Hearing Loss, Recessive. Identifiers: Orphanet 90635, Orphanet 90636, MedGen C1846647, MONDO:0019588, OMIM 607197.

Allele frequency attached by ClinVar (database versions not stated): gnomAD 0.00001 and 0.00004; gnomAD exomes 0.00004; ExAC 0.00007; 1000 Genomes Project 0.00020; 1000 Genomes Project 30x 0.00047.
gnomAD v4.1: 65 of 1,561,488 alleles (0.0042%); highest among the groups gnomAD compares: Middle Eastern, 0.05%; no homozygotes.

Submission:

Laboratory of Prof. Karen Avraham, Tel Aviv University
Classification: Likely pathogenic for Hearing loss, autosomal recessive. Last evaluated: 2019-07-06. Review status: no assertion criteria provided. Collection method: research. Allele origin: germline. Affected: yes. Observed: 2 variant alleles.
Comment: Recessive, compound heterozygous with NM_001354587.1: c.2479(-1)G>A; congenital, moderate-severe progressive SNHL

Literature cited by the submitters: DOI 10.1111/cge.13817.